The following is an entry in ClinVar:

NM_021625.5(TRPV4):c.67_68del (p.Ser23fs)

Gene: TRPV4 (transient receptor potential cation channel subfamily V member 4; minus strand). Cytogenetic location: 12q24.11.
Variant type: Microsatellite.
Coding change: c.67_68del on transcript NM_021625.5 (MANE Select); coding-DNA positions 67 to 68, 2 bases deleted (AG; older notation c.67_68delAG).
Protein change: p.Ser23fs; shifts the reading frame from serine 23.
Molecular consequence: frameshift variant.
Genome position (GRCh38, 1-based): chr12:109,814,729-109,814,730, CT deleted on the plus strand (AG on the coding strand, the reverse complement: TRPV4 is on the minus strand); deleting any 2 consecutive bases within chr12:109,814,729-109,814,733 gives the same sequence; the c. name uses the placement nearest the transcript's 3' end. VCF-style (leftmost placement, unchanged base first): chr12-109814728-ACT-A. GRCh37 (hg19) VCF-style: chr12-110252533-ACT-A.
Other names: c.64_65GA[1], p.Ser23Trpfs (NM_001177428.2, NM_001177431.2, NM_001177433.2 and 1 more transcripts); short protein forms S23fs.
Identifiers: ClinVar variation 4705590 (VCV004705590.1).

ClinVar aggregate classification (germline): Uncertain significance (1 of 4 stars; one submission).

Conditions:
Charcot-Marie-Tooth disease axonal type 2C (HMSN2C). Also called: CHARCOT-MARIE-TOOTH DISEASE, AXONAL, AUTOSOMAL DOMINANT, TYPE 2C; Charcot-Marie-Tooth Neuropathy Type 2C; Charcot-Marie-Tooth Disease Type 2, TRPV4-Related (CMT2C). Identifiers: Orphanet 99937, MedGen C1853710, MONDO:0011633, OMIM 606071.

Submission:

Labcorp Genetics (formerly Invitae), Labcorp
Classification: Uncertain significance for Charcot-Marie-Tooth disease axonal type 2C. Last evaluated: 2025-10-27. Review status: criteria provided, single submitter. Criteria: Invitae Variant Classification Sherloc (09022015). Collection method: clinical testing. Allele origin: germline.
Comment: This sequence change creates a premature translational stop signal (p.Ser23Trpfs*18) in the TRPV4 gene. It is expected to result in an absent or disrupted protein product. However, the current clinical and genetic evidence is not sufficient to establish whether loss-of-function variants in TRPV4 cause disease. This variant is not present in population databases (gnomAD no frequency). This variant has not been reported in the literature in individuals affected with TRPV4-related conditions. In summary, the available evidence is currently insufficient to determine the role of this variant in disease. Therefore, it has been classified as a Variant of Uncertain Significance.